The following is an entry in ClinVar:

ClinVar aggregate classification (germline): Likely benign (0 of 4 stars; one submission).

Conditions:
OSGEP-related disorder. Also called: OSGEP-related condition.

gnomAD v4.1: 1 of 1,602,304 alleles (0.000062%); highest among the groups gnomAD compares: Non-Finnish European, 0.000086%; no homozygotes.

Submission:

PreventionGenetics, part of Exact Sciences
Classification: Likely benign for OSGEP-related condition. Last evaluated: 2024-02-13. Review status: no assertion criteria provided. Collection method: clinical testing. Allele origin: germline.
Comment: This variant is classified as likely benign based on ACMG/AMP sequence variant interpretation guidelines (Richards et al. 2015 PMID: 25741868, with internal and published modifications).

NM_017807.4(OSGEP):c.968+9T>C

Gene: OSGEP (O-sialoglycoprotein endopeptidase; minus strand). Cytogenetic location: 14q11.2.
Variant type: single nucleotide variant.
Coding change: c.968+9T>C on transcript NM_017807.4 (MANE Select); 9 bases into the intron after coding-DNA position 968, T replaced by C.
Molecular consequence: intron variant.
Genome position (GRCh38, 1-based): chr14:20,447,413, A>G on the plus strand (T>C on the coding strand, the complement: OSGEP is on the minus strand). VCF-style: chr14-20447413-A-G. GRCh37 (hg19) VCF-style: chr14-20915572-A-G.
Identifiers: ClinVar variation 3032477 (VCV003032477.2), dbSNP rs1482630531, ClinGen allele CA2575471929.